The following is an entry in ClinVar:

ClinVar aggregate classification (germline): Conflicting classifications of pathogenicity. Review status: criteria provided, conflicting classifications (1 of 4 stars). 2 submissions from 2 submitters: Uncertain significance (1); Likely benign (1). Last evaluated 2025-08-04.

Allele frequency attached by ClinVar (database versions not stated): gnomAD exomes 0.00001; gnomAD 0.00002 and 0.00003; TOPMed 0.00003.

Submissions (2):

Labcorp Genetics (formerly Invitae), Labcorp
Classification: Uncertain significance. Last evaluated: 2025-08-04. Review status: criteria provided, single submitter. Criteria: Invitae Variant Classification Sherloc (09022015). Collection method: clinical testing. Allele origin: germline.
Comment: This sequence change replaces valine, which is neutral and non-polar, with alanine, which is neutral and non-polar, at codon 479 of the IL2RB protein (p.Val479Ala). This variant is present in population databases (rs568481178, gnomAD 0.01%). This variant has not been reported in the literature in individuals affected with IL2RB-related conditions. ClinVar contains an entry for this variant (Variation ID: 1420853). An algorithm developed to predict the effect of missense changes on protein structure and function outputs the following: PolyPhen-2: "Benign". The alanine amino acid residue is found in multiple mammalian species, which suggests that this missense change does not adversely affect protein function. In summary, the available evidence is currently insufficient to determine the role of this variant in disease. Therefore, it has been classified as a Variant of Uncertain Significance.

Blueprint Genetics
Classification: Likely benign. Last evaluated: 2024-08-15. Review status: criteria provided, single submitter. Criteria: ACMG Guidelines, 2015. Collection method: clinical testing. Allele origin: germline.

NM_000878.5(IL2RB):c.1436T>C (p.Val479Ala)

Gene: IL2RB (interleukin 2 receptor subunit beta; minus strand). Cytogenetic location: 22q12.3.
Variant type: single nucleotide variant.
Coding change: c.1436T>C on transcript NM_000878.5 (MANE Select); coding-DNA position 1436, T replaced by C.
Protein change: p.Val479Ala; replaces valine 479 with alanine.
Molecular consequence: missense variant.
Genome position (GRCh38, 1-based): chr22:37,128,316, A>G on the plus strand (T>C on the coding strand, the complement: IL2RB is on the minus strand). VCF-style: chr22-37128316-A-G. GRCh37 (hg19) VCF-style: chr22-37524356-A-G.
Other names: c.1436T>C, p.Val479Ala (NM_001346222.1, NM_001346223.2); short protein forms V479A.
Identifiers: ClinVar variation 1420853 (VCV001420853.6), dbSNP rs568481178, ClinGen allele CA324043043.